The following is an entry in ClinVar:

NM_004655.4(AXIN2):c.182G>T (p.Gly61Val)

Gene: AXIN2 (axin 2; minus strand). Cytogenetic location: 17q24.1.
Variant type: single nucleotide variant.
Coding change: c.182G>T on transcript NM_004655.4 (MANE Select); coding-DNA position 182, G replaced by T.
Protein change: p.Gly61Val; replaces glycine 61 with valine.
Molecular consequence: missense variant.
Genome position (GRCh38, 1-based): chr17:65,558,439, C>A on the plus strand (G>T on the coding strand, the complement: AXIN2 is on the minus strand). VCF-style: chr17-65558439-C-A. GRCh37 (hg19) VCF-style: chr17-63554557-C-A.
Other names: c.182G>T, p.Gly61Val (NM_001363813.1); short protein forms G61V.
Identifiers: ClinVar variation 3652056 (VCV003652056.2).

ClinVar aggregate classification (germline): Uncertain significance (1 of 4 stars; one submission).

Conditions:
Oligodontia-cancer predisposition syndrome. Also called: TOOTH AGENESIS-COLORECTAL CANCER SYNDROME. Identifiers: Orphanet 300576, MedGen C1837750, MONDO:0012075, OMIM 608615. Disease mechanism: loss of function.

Submission:

Labcorp Genetics (formerly Invitae), Labcorp
Classification: Uncertain significance for Oligodontia-cancer predisposition syndrome. Last evaluated: 2024-06-20. Review status: criteria provided, single submitter. Criteria: Invitae Variant Classification Sherloc (09022015). Collection method: clinical testing. Allele origin: germline.
Comment: This sequence change replaces glycine, which is neutral and non-polar, with valine, which is neutral and non-polar, at codon 61 of the AXIN2 protein (p.Gly61Val). This variant is not present in population databases (gnomAD no frequency). This variant has not been reported in the literature in individuals affected with AXIN2-related conditions. Advanced modeling of protein sequence and biophysical properties (such as structural, functional, and spatial information, amino acid conservation, physicochemical variation, residue mobility, and thermodynamic stability) performed at Invitae indicates that this missense variant is expected to disrupt AXIN2 protein function with a positive predictive value of 80%. In summary, the available evidence is currently insufficient to determine the role of this variant in disease. Therefore, it has been classified as a Variant of Uncertain Significance.